The following is an entry in ClinVar:

ClinVar aggregate classification (germline): Uncertain significance (1 of 4 stars; one submission).

Conditions:
ANKRD1-related dilated cardiomyopathy. Identifiers: MedGen CN119551.

gnomAD v4.1: 2 of 1,613,418 alleles (0.00012%); highest among the groups gnomAD compares: Non-Finnish European, 0.00017%; no homozygotes.

Submission:

Labcorp Genetics (formerly Invitae), Labcorp
Classification: Uncertain significance for ANKRD1-related dilated cardiomyopathy. Last evaluated: 2024-01-02. Review status: criteria provided, single submitter. Criteria: Invitae Variant Classification Sherloc (09022015). Collection method: clinical testing. Allele origin: germline.
Comment: This sequence change replaces cysteine, which is neutral and slightly polar, with serine, which is neutral and polar, at codon 234 of the ANKRD1 protein (p.Cys234Ser). This variant is not present in population databases (gnomAD no frequency). This variant has not been reported in the literature in individuals affected with ANKRD1-related conditions. Advanced modeling of protein sequence and biophysical properties (such as structural, functional, and spatial information, amino acid conservation, physicochemical variation, residue mobility, and thermodynamic stability) has been performed at Invitae for this missense variant, however the output from this modeling did not meet the statistical confidence thresholds required to predict the impact of this variant on ANKRD1 protein function. In summary, the available evidence is currently insufficient to determine the role of this variant in disease. Therefore, it has been classified as a Variant of Uncertain Significance.

NM_014391.3(ANKRD1):c.700T>A (p.Cys234Ser)

Gene: ANKRD1 (ankyrin repeat domain 1; minus strand). Cytogenetic location: 10q23.31.
Variant type: single nucleotide variant.
Coding change: c.700T>A on transcript NM_014391.3 (MANE Select); coding-DNA position 700, T replaced by A.
Protein change: p.Cys234Ser; replaces cysteine 234 with serine.
Molecular consequence: missense variant.
Genome position (GRCh38, 1-based): chr10:90,915,832, A>T on the plus strand (T>A on the coding strand, the complement: ANKRD1 is on the minus strand). VCF-style: chr10-90915832-A-T. GRCh37 (hg19) VCF-style: chr10-92675589-A-T.
Other names: short protein forms C234S.
Identifiers: ClinVar variation 2705293 (VCV002705293.3), dbSNP rs1208163863, ClinGen allele CA377550304.
Genomic context (GRCh38, chr10:90,915,832, plus strand): 5'-AGCTACTCACTCTGTCTTTGGCGTTGAGGTCTGCCTCACAGGCGATAAGATGCTCCGCGC[A>T]CTCATAGTGGCCAGTCCTCACCGCCACATGCAGCGCTGTGCTGAGCAACTGGAAAATTGG-3'
Protein context (NP_055206.2, residues 224-244): HVAVRTGHYE[Cys234Ser]AEHLIACEAD